The following is an entry in ClinVar:

NM_000038.6(APC):c.834+6622A>T

Gene: APC (APC regulator of WNT signaling pathway; plus strand). Cytogenetic location: 5q22.2.
Variant type: single nucleotide variant.
Coding change: c.834+6622A>T on transcript NM_000038.6 (MANE Select); 6622 bases into the intron after coding-DNA position 834, A replaced by T.
Molecular consequence: intron variant.
Genome position (GRCh38, 1-based): chr5:112,808,005, A>T. VCF-style: chr5-112808005-A-T. GRCh37 (hg19) VCF-style: chr5-112143702-A-T.
Other names: c.834+6622A>T (NM_001354895.2, NM_001127510.3, NM_001354896.2 and 1 more transcripts); c.864+6622A>T (NM_001354897.2, NM_001354902.2); c.780+6622A>T (NM_001127511.3); c.759+6622A>T (NM_001354898.2, NM_001354904.2); c.-201-2121A>T (NM_001354906.2); c.750+6622A>T (NM_001354899.2); c.657+6622A>T (NM_001354900.2, NM_001354901.2, NM_001354905.2).
Identifiers: ClinVar variation 82538 (VCV000082538.2), dbSNP rs77302054, ClinGen allele CA015025.

ClinVar aggregate classification (germline): other (0 of 4 stars; one submission).

Conditions:
Familial colorectal cancer. Identifiers: MedGen CN280943, MONDO:0023113. Disease mechanism: loss of function.

Submission:

Systems Biology Platform Zhejiang California International NanoSystems Institute
Classification: other for Familial colorectal cancer. Review status: no assertion criteria provided. Collection method: not provided. Allele origin: unknown.
ClinVar note: Converted during submission from cancer to other.